The following is an entry in ClinVar:

NM_004415.4(DSP):c.7031C>T (p.Thr2344Ile)

Gene: DSP (desmoplakin; plus strand). Cytogenetic location: 6p24.3.
Variant type: single nucleotide variant.
Coding change: c.7031C>T on transcript NM_004415.4 (MANE Select); coding-DNA position 7031, C replaced by T.
Protein change: p.Thr2344Ile; replaces threonine 2344 with isoleucine.
Molecular consequence: missense variant.
Genome position (GRCh38, 1-based): chr6:7,584,293, C>T. VCF-style: chr6-7584293-C-T. GRCh37 (hg19) VCF-style: chr6-7584526-C-T.
Other names: c.5234C>T, p.Thr1745Ile (NM_001008844.3); c.5702C>T, p.Thr1901Ile (NM_001319034.2); short protein forms T1745I, T1901I, T2344I.
Identifiers: ClinVar variation 918726 (VCV000918726.7), dbSNP rs746413668, ClinGen allele CA362692082.

ClinVar aggregate classification (germline): Uncertain significance. Review status: criteria provided, multiple submitters, no conflicts (2 of 4 stars). 3 submissions from 3 submitters: Uncertain significance (3). Last evaluated 2025-09-25.

Conditions:
Arrhythmogenic cardiomyopathy with wooly hair and keratoderma. Also called: PALMOPLANTAR KERATODERMA WITH LEFT VENTRICULAR CARDIOMYOPATHY AND WOOLLY HAIR; Carvajal syndrome; Dilated cardiomyopathy with woolly hair and keratoderma; Arrhythmogenic cardiomyopathy with woolly hair and keratoderma. Identifiers: Orphanet 65282, MedGen C1854063, MONDO:0011581, OMIM 605676.
Cardiovascular phenotype. Identifiers: MedGen CN230736.
Cardiomyopathy (CMYO). Also called: Cardiomyopathies. Identifiers: Orphanet 167848, MedGen C0878544, MONDO:0004994, HP:0001638. Inheritance: Various modes of inheritance.

Allele frequency attached by ClinVar (database versions not stated): TOPMed below 0.00001.
gnomAD v4.1: 2 of 1,614,184 alleles (0.00012%); highest among the groups gnomAD compares: Non-Finnish European, 0.00017%; no homozygotes.

Submissions (3):

Ambry Genetics
Classification: Uncertain significance for Cardiovascular phenotype. Last evaluated: 2025-09-25. Review status: criteria provided, single submitter. Criteria: Ambry Variant Classification Scheme 2023. Collection method: clinical testing. Allele origin: germline.
Comment: The p.T2344I variant (also known as c.7031C>T), located in coding exon 24 of the DSP gene, results from a C to T substitution at nucleotide position 7031. The threonine at codon 2344 is replaced by isoleucine, an amino acid with similar properties. This amino acid position is conserved. In addition, this alteration is predicted to be deleterious by in silico analysis. Based on the available evidence, the clinical significance of this variant remains unclear.

Color Diagnostics, LLC DBA Color Health
Classification: Uncertain significance for Cardiomyopathy. Last evaluated: 2024-03-06. Review status: criteria provided, single submitter. Criteria: ACMG Guidelines, 2015. Collection method: clinical testing. Allele origin: germline.
Comment: This variant is located in the DSP protein. Computational prediction suggests that this variant may have deleterious impact on protein structure and function (internally defined REVEL score threshold >= 0.7, PMID: 27666373). To our knowledge, functional studies have not been reported for this variant. This variant has not been reported in individuals affected with cardiovascular disorders in the literature. This variant has not been identified in the general population by the Genome Aggregation Database (gnomAD). The available evidence is insufficient to determine the role of this variant in disease conclusively. Therefore, this variant is classified as a Variant of Uncertain Significance.

All of Us Research Program, National Institutes of Health
Classification: Uncertain significance for Arrhythmogenic cardiomyopathy with wooly hair and keratoderma. Last evaluated: 2023-11-30. Review status: criteria provided, single submitter. Criteria: ACMG Guidelines, 2015. Collection method: clinical testing. Allele origin: germline. Inheritance: Autosomal dominant inheritance. Observed: 3 variant alleles, 3 heterozygotes.
Comment: This variant is located in the DSP protein. Computational prediction suggests that this variant may have deleterious impact on protein structure and function (internally defined REVEL score threshold >= 0.7, PMID: 27666373). To our knowledge, functional studies have not been reported for this variant. This variant has not been reported in individuals affected with cardiovascular disorders in the literature. This variant has not been identified in the general population by the Genome Aggregation Database (gnomAD). The available evidence is insufficient to determine the role of this variant in disease conclusively. Therefore, this variant is classified as a Variant of Uncertain Significance.

This study involves interpretation of variants in research participants for the purpose of population health screening. Participant phenotype was not available at the time of variant classification. Additional details can be found in publication PMID: 35346344, PMCID: PMC8962531